The following is an entry in ClinVar:

ClinVar aggregate classification (germline): Pathogenic (1 of 4 stars; one submission).

Submission:

Labcorp Genetics (formerly Invitae), Labcorp
Classification: Pathogenic. Last evaluated: 2025-05-18. Review status: criteria provided, single submitter. Criteria: Invitae Variant Classification Sherloc (09022015). Collection method: clinical testing. Allele origin: germline.
Comment: This sequence change creates a premature translational stop signal (p.Leu208Hisfs*147) in the PIEZO1 gene. It is expected to result in an absent or disrupted protein product. Loss-of-function variants in PIEZO1 are known to be pathogenic (PMID: 26333996). The frequency data for this variant in the population databases is considered unreliable, as metrics indicate poor data quality at this position in the gnomAD database. This variant has not been reported in the literature in individuals affected with PIEZO1-related conditions. ClinVar contains an entry for this variant (Variation ID: 1071877). For these reasons, this variant has been classified as Pathogenic.

Literature cited by the submitters: PubMed 26333996.

NM_001142864.4(PIEZO1):c.623_626del (p.Leu208fs)

Genes: HSALR1 (HSP90AB1 associated lncRNA 1; plus strand), PIEZO1 (piezo type mechanosensitive ion channel component 1 (Er blood group); minus strand). Cytogenetic location: 16q24.3.
Variant type: Deletion.
Coding change: c.623_626del on transcript NM_001142864.4 (MANE Select); coding-DNA positions 623 to 626, 4 bases deleted (TTGC; older notation c.623_626delTTGC).
Protein change: p.Leu208fs; shifts the reading frame from leucine 208.
Molecular consequence: frameshift variant. On other transcripts: non-coding transcript variant (1).
Genome position (GRCh38, 1-based): chr16:88,738,576-88,738,579, GCAA deleted on the plus strand (TTGC on the coding strand, the reverse complement: PIEZO1 is on the minus strand); deleting any 4 consecutive bases within chr16:88,738,576-88,738,582 gives the same sequence; the c. name uses the placement nearest the transcript's 3' end. VCF-style (leftmost placement, unchanged base first): chr16-88738575-TGCAA-T. GRCh37 (hg19) VCF-style: chr16-88804983-TGCAA-T.
Other names: short protein forms L208fs.
Identifiers: ClinVar variation 1071877 (VCV001071877.7), dbSNP rs1567676501, ClinGen allele CA624450093.